The following is an entry in ClinVar:

ClinVar aggregate classification (germline): Pathogenic (1 of 4 stars; one submission).

Conditions:
Hypertrophic osteoarthropathy, primary, autosomal recessive, 2 (PHOAR2E). Also called: PHOAR2-enteropathy syndrome; PACHYDERMOPERIOSTOSIS, AUTOSOMAL RECESSIVE; PDP, AUTOSOMAL RECESSIVE; HYPERTROPHIC OSTEOARTHROPATHY, PRIMARY, AUTOSOMAL RECESSIVE, 2/ENTEROPATHY SYNDROME. Identifiers: Orphanet 2796, MedGen C3280800, MONDO:0013756, OMIM 614441.

Submission:

Clinical Genetics Laboratory, Skane University Hospital Lund
Classification: Pathogenic for Hypertrophic osteoarthropathy, primary, autosomal recessive, 2. Last evaluated: 2026-09-17. Review status: criteria provided, single submitter. Criteria: ACMG Guidelines, 2015. Collection method: clinical testing. Allele origin: germline. Inheritance: Autosomal recessive inheritance. Affected: yes.
Comment: ACMG criteria: PVS1, PM2 and PM3_Supporting.

NM_005630.3(SLCO2A1):c.163_166dup (p.Leu56fs)

Gene: SLCO2A1 (solute carrier organic anion transporter family member 2A1; minus strand). Cytogenetic location: 3q22.1.
Variant type: Duplication.
Coding change: c.163_166dup on transcript NM_005630.3 (MANE Select); coding-DNA positions 163 to 166, 4 bases duplicated (AGCC; older notation c.163_166dupAGCC).
Protein change: p.Leu56fs; shifts the reading frame from leucine 56.
Molecular consequence: frameshift variant.
Genome position (GRCh38, 1-based): chr3:133,979,549-133,979,552, GGCT duplicated on the plus strand (AGCC on the coding strand, the reverse complement: SLCO2A1 is on the minus strand); duplicating any 4 consecutive bases within chr3:133,979,549-133,979,553 gives the same sequence; the c. name uses the placement nearest the transcript's 3' end. VCF-style (leftmost placement, unchanged base first): chr3-133979548-A-AGGCT. GRCh37 (hg19) VCF-style: chr3-133698392-A-AGGCT.
Other names: short protein forms L56fs.
Identifiers: ClinVar variation 4975000 (VCV004975000.1).